The following is an entry in ClinVar:

NM_006206.6(PDGFRA):c.122T>A (p.Leu41Gln)

Gene: PDGFRA (platelet derived growth factor receptor alpha; plus strand). Cytogenetic location: 4q12.
Variant type: single nucleotide variant.
Coding change: c.122T>A on transcript NM_006206.6 (MANE Select); coding-DNA position 122, T replaced by A.
Protein change: p.Leu41Gln; replaces leucine 41 with glutamine.
Molecular consequence: missense variant.
Genome position (GRCh38, 1-based): chr4:54,261,167, T>A. VCF-style: chr4-54261167-T-A. GRCh37 (hg19) VCF-style: chr4-55127334-T-A.
Other names: c.122T>A, p.Leu41Gln (NM_001347827.2, NM_001347829.2); c.197T>A, p.Leu66Gln (NM_001347828.2); c.161T>A, p.Leu54Gln (NM_001347830.2); short protein forms L41Q, L54Q, L66Q.
Identifiers: ClinVar variation 3225258 (VCV003225258.3), dbSNP rs1341010273, ClinGen allele CA356888293.

ClinVar aggregate classification (germline): Uncertain significance. Review status: criteria provided, multiple submitters, no conflicts (2 of 4 stars). 2 submissions from 2 submitters: Uncertain significance (2). Last evaluated 2024-02-15.

Conditions:
Hereditary cancer-predisposing syndrome. Also called: Neoplastic Syndromes, Hereditary; Tumor predisposition; Hereditary Cancer Syndrome; Hereditary neoplastic syndrome. Identifiers: Orphanet 140162, MedGen C0027672, MeSH D009386, MONDO:0015356.
Gastrointestinal stromal tumor. Also called: Gastrointestinal stromal tumor, somatic; Gastrointestinal stroma tumor. Identifiers: Orphanet 44890, MedGen C0238198, MeSH D046152, MONDO:0011719, OMIM 606764, HP:0100723.

Allele frequency attached by ClinVar (database versions not stated): gnomAD exomes below 0.00001.
gnomAD v4.1: 6 of 1,614,066 alleles (0.00037%); highest among the groups gnomAD compares: South Asian, 0.0066%; 1 homozygote.

Submissions (2):

Labcorp Genetics (formerly Invitae), Labcorp
Classification: Uncertain significance for Gastrointestinal stromal tumor. Last evaluated: 2024-02-15. Review status: criteria provided, single submitter. Criteria: Invitae Variant Classification Sherloc (09022015). Collection method: clinical testing. Allele origin: germline.
Comment: This sequence change replaces leucine, which is neutral and non-polar, with glutamine, which is neutral and polar, at codon 41 of the PDGFRA protein (p.Leu41Gln). This variant is present in population databases (no rsID available, gnomAD 0.003%). This variant has not been reported in the literature in individuals affected with PDGFRA-related conditions. Advanced modeling of protein sequence and biophysical properties (such as structural, functional, and spatial information, amino acid conservation, physicochemical variation, residue mobility, and thermodynamic stability) performed at Invitae indicates that this missense variant is not expected to disrupt PDGFRA protein function with a negative predictive value of 80%. In summary, the available evidence is currently insufficient to determine the role of this variant in disease. Therefore, it has been classified as a Variant of Uncertain Significance.

Ambry Genetics
Classification: Uncertain significance for Hereditary cancer-predisposing syndrome. Last evaluated: 2023-09-20. Review status: criteria provided, single submitter. Criteria: Ambry Variant Classification Scheme 2023. Collection method: clinical testing. Allele origin: germline.
Comment: The p.L41Q variant (also known as c.122T>A), located in coding exon 2 of the PDGFRA gene, results from a T to A substitution at nucleotide position 122. The leucine at codon 41 is replaced by glutamine, an amino acid with dissimilar properties. This amino acid position is conserved. In addition, the in silico prediction for this alteration is inconclusive. Since supporting evidence is limited at this time, the clinical significance of this alteration remains unclear.